The following is an entry in ClinVar:

ClinVar aggregate classification (germline): Likely benign (1 of 4 stars; one submission).

Conditions:
Malignant hyperthermia, susceptibility to, 1 (MHS1). Also called: Anesthesia related hyperthermia; Malignant hyperpyrexia; Fulminating hyperpyrexia; Pharmacogenic myopathy; RYR1-Related Malignant Hyperthermia Susceptibility; Malignant hyperthermia suceptibility 1. Identifiers: Orphanet 423, MedGen C2930980, MONDO:0007783, OMIM 145600.

Allele frequency attached by ClinVar (database versions not stated): gnomAD exomes below 0.00001.
gnomAD v4.1: 1 of 1,614,120 alleles (0.000062%); highest among the groups gnomAD compares: South Asian, 0.0011%; no homozygotes.

Submission:

All of Us Research Program, National Institutes of Health
Classification: Likely benign for Malignant hyperthermia, susceptibility to, 1. Last evaluated: 2023-11-20. Review status: criteria provided, single submitter. Criteria: ACMG Guidelines, 2015. Collection method: clinical testing. Allele origin: germline. Inheritance: Autosomal dominant inheritance. Observed: 1 variant allele, 1 heterozygote.
Comment: This study involves interpretation of variants in research participants for the purpose of population health screening. Participant phenotype was not available at the time of variant classification. Additional details can be found in publication PMID: 35346344, PMCID: PMC8962531

NM_000540.3(RYR1):c.9741G>A (p.Glu3247=)

Gene: RYR1 (ryanodine receptor 1; plus strand). Cytogenetic location: 19q13.2.
Variant type: single nucleotide variant.
Coding change: c.9741G>A on transcript NM_000540.3 (MANE Select); coding-DNA position 9741, G replaced by A.
Protein change: p.Glu3247=; no amino-acid change (glutamic acid 3247 retained).
Molecular consequence: synonymous variant.
Genome position (GRCh38, 1-based): chr19:38,517,414, G>A. VCF-style: chr19-38517414-G-A. GRCh37 (hg19) VCF-style: chr19-39008054-G-A.
Other names: c.9741G>A, p.Glu3247= (NM_001042723.2).
Identifiers: ClinVar variation 3074472 (VCV003074472.1), dbSNP rs2514432649, ClinGen allele CA507247107.